The following is an entry in ClinVar:

NM_000371.4(TTR):c.262A>C (p.Ile88Leu)

Gene: TTR (transthyretin; plus strand). Cytogenetic location: 18q12.1.
Variant type: single nucleotide variant.
Coding change: c.262A>C on transcript NM_000371.4 (MANE Select); coding-DNA position 262, A replaced by C.
Protein change: p.Ile88Leu; replaces isoleucine 88 with leucine.
Molecular consequence: missense variant.
Genome position (GRCh38, 1-based): chr18:31,595,181, A>C. VCF-style: chr18-31595181-A-C. GRCh37 (hg19) VCF-style: chr18-29175144-A-C.
Other names: short protein forms I88L.
Identifiers: ClinVar variation 4710457 (VCV004710457.1).

ClinVar aggregate classification (germline): Pathogenic (1 of 4 stars; one submission).

Conditions:
Amyloidosis, hereditary systemic 1 (AMYLD1). Also called: AMYLOID CARDIOMYOPATHY; Familial amyloid polyneuropathy; Transthyretin Amyloidosis; Hereditary oculoleptomeningeal amyloid angiopathy; Familial Transthyretin Amyloidosis; Hereditary Transthyretin Amyloidosis. Identifiers: Orphanet 85447, Orphanet 85451, MedGen C2751492, MONDO:0971004, OMIM 105210.

Submission:

Labcorp Genetics (formerly Invitae), Labcorp
Classification: Pathogenic for Amyloidosis, hereditary systemic 1. Last evaluated: 2025-10-02. Review status: criteria provided, single submitter. Criteria: Invitae Variant Classification Sherloc (09022015). Collection method: clinical testing. Allele origin: germline.
Comment: This sequence change replaces isoleucine, which is neutral and non-polar, with leucine, which is neutral and non-polar, at codon 88 of the TTR protein (p.Ile88Leu). This variant is not present in population databases (gnomAD no frequency). This missense change has been observed in individuals with transthyretin amyloidosis (PMID: 7599630, 26537620, 28494620). This variant is also known as I68L. Invitae Evidence Modeling of protein sequence and biophysical properties (such as structural, functional, and spatial information, amino acid conservation, physicochemical variation, residue mobility, and thermodynamic stability) indicates that this missense variant is expected to disrupt TTR protein function with a positive predictive value of 95%. This variant disrupts the p.Ile88 amino acid residue in TTR. Other variant(s) that disrupt this residue have been determined to be pathogenic (internal data). This suggests that this residue is clinically significant, and that variants that disrupt this residue are likely to be disease-causing. For these reasons, this variant has been classified as Pathogenic.

Literature cited by the submitters: PubMed 7599630; PubMed 26537620; PubMed 28494620.